The following is an entry in ClinVar:

ClinVar aggregate classification (germline): Likely pathogenic (1 of 4 stars; one submission).

Allele frequency attached by ClinVar (database versions not stated): gnomAD exomes below 0.00001.
gnomAD v4.1: 1 of 1,613,232 alleles (0.000062%); highest among the groups gnomAD compares: Non-Finnish European, 0.000085%; no homozygotes.

Submission:

GeneDx
Classification: Likely pathogenic. Last evaluated: 2023-06-28. Review status: criteria provided, single submitter. Criteria: GeneDx Variant Classification Process June 2021. Collection method: clinical testing. Allele origin: germline. Affected: yes.
Comment: Canonical splice site variant predicted to result in a null allele in a gene for which loss of function is a known mechanism of disease; Not observed at significant frequency in large population cohorts (gnomAD); Has not been previously published as pathogenic or benign to our knowledge

NM_000079.4(CHRNA1):c.235-1G>A

Gene: CHRNA1 (cholinergic receptor nicotinic alpha 1 subunit; minus strand). Cytogenetic location: 2q31.1.
Variant type: single nucleotide variant.
Coding change: c.235-1G>A on transcript NM_000079.4 (MANE Select); the canonical splice acceptor site of the intron before coding-DNA position 235, G replaced by A.
Molecular consequence: splice acceptor variant.
Genome position (GRCh38, 1-based): chr2:174,757,676, C>T on the plus strand (G>A on the coding strand, the complement: CHRNA1 is on the minus strand). VCF-style: chr2-174757676-C-T. GRCh37 (hg19) VCF-style: chr2-175622404-C-T.
Other names: c.310-1G>A (NM_001039523.3).
Identifiers: ClinVar variation 421304 (VCV000421304.3), dbSNP rs1064795046, ClinGen allele CA16617327.